The following is an entry in ClinVar:

ClinVar aggregate classification (germline): Uncertain significance (1 of 4 stars; one submission).

Conditions:
Cardiovascular phenotype. Identifiers: MedGen CN230736.

Submission:

Ambry Genetics
Classification: Uncertain significance for Cardiovascular phenotype. Last evaluated: 2021-09-15. Review status: criteria provided, single submitter. Criteria: Ambry Variant Classification Scheme 2023. Collection method: clinical testing. Allele origin: germline.
Comment: The p.P793S variant (also known as c.2377C>T), located in coding exon 4 of the TNXB gene, results from a C to T substitution at nucleotide position 2377. The proline at codon 793 is replaced by serine, an amino acid with similar properties. This amino acid position is conserved. In addition, this alteration is predicted to be tolerated by in silico analysis. Since supporting evidence is limited at this time, the clinical significance of this alteration remains unclear.

NM_001365276.2(TNXB):c.2377C>T (p.Pro793Ser)

Gene: TNXB (tenascin XB; minus strand). Cytogenetic location: 6p21.33.
Variant type: single nucleotide variant.
Coding change: c.2377C>T on transcript NM_001365276.2 (MANE Select); coding-DNA position 2377, C replaced by T.
Protein change: p.Pro793Ser; replaces proline 793 with serine.
Molecular consequence: missense variant.
Genome position (GRCh38, 1-based): chr6:32,089,361, G>A on the plus strand (C>T on the coding strand, the complement: TNXB is on the minus strand). VCF-style: chr6-32089361-G-A. GRCh37 (hg19) VCF-style: chr6-32057138-G-A.
Other names: c.2377C>T, p.Pro793Ser (NM_019105.8); short protein forms P793S.
Identifiers: ClinVar variation 1790377 (VCV001790377.2), dbSNP rs1178726151, ClinGen allele CA363464913.